The following is an entry in ClinVar:

NM_017852.5(NLRP2):c.990C>T (p.Ala330=)

Gene: NLRP2 (NLR family pyrin domain containing 2; plus strand). Cytogenetic location: 19q13.42.
Variant type: single nucleotide variant.
Coding change: c.990C>T on transcript NM_017852.5 (MANE Select); coding-DNA position 990, C replaced by T.
Protein change: p.Ala330=; no amino-acid change (alanine 330 retained).
Molecular consequence: synonymous variant. On other transcripts: non-coding transcript variant (1).
Genome position (GRCh38, 1-based): chr19:54,982,688, C>T. VCF-style: chr19-54982688-C-T. GRCh37 (hg19) VCF-style: chr19-55494056-C-T.
Other names: c.990C>T, p.Ala330= (NM_001174081.3); c.924C>T, p.Ala308= (NM_001174082.3); c.921C>T, p.Ala307= (NM_001174083.2); c.981C>T, p.Ala327= (NM_001348003.2).
Identifiers: ClinVar variation 3052249 (VCV003052249.2), dbSNP rs375621121, ClinGen allele CA310103476.

ClinVar aggregate classification (germline): Likely benign (0 of 4 stars; one submission).

Conditions:
NLRP2-related disorder. Also called: NLRP2-related condition.

gnomAD v4.1: 48 of 1,613,986 alleles (0.003%); highest among the groups gnomAD compares: East Asian, 0.018%; no homozygotes.

Submission:

PreventionGenetics, part of Exact Sciences
Classification: Likely benign for NLRP2-related condition. Last evaluated: 2020-01-27. Review status: no assertion criteria provided. Collection method: clinical testing. Allele origin: germline.
Comment: This variant is classified as likely benign based on ACMG/AMP sequence variant interpretation guidelines (Richards et al. 2015 PMID: 25741868, with internal and published modifications).